The following is an entry in ClinVar:

NM_002533.4(NVL):c.2049G>A (p.Val683=)

Gene: NVL (nuclear VCP like; minus strand). Cytogenetic location: 1q42.11.
Variant type: single nucleotide variant.
Coding change: c.2049G>A on transcript NM_002533.4 (MANE Select); coding-DNA position 2049, G replaced by A.
Protein change: p.Val683=; no amino-acid change (valine 683 retained).
Molecular consequence: synonymous variant.
Genome position (GRCh38, 1-based): chr1:224,275,372, C>T on the plus strand (G>A on the coding strand, the complement: NVL is on the minus strand). VCF-style: chr1-224275372-C-T. GRCh37 (hg19) VCF-style: chr1-224463074-C-T.
Other names: c.1482G>A, p.Val494= (NM_001243146.2); c.1776G>A, p.Val592= (NM_001243147.2); c.1731G>A, p.Val577= (NM_206840.3).
Identifiers: ClinVar variation 2639928 (VCV002639928.24), dbSNP rs150509891, ClinGen allele CA1413970.

ClinVar aggregate classification (germline): Likely benign (1 of 4 stars; one submission).

Allele frequency attached by ClinVar (database versions not stated): 1000 Genomes Project 30x 0.00203; 1000 Genomes Project 0.00260; TOPMed 0.00442; ExAC 0.00451; gnomAD 0.00503; ESP Exome Variant Server 0.00507; gnomAD exomes 0.00725.
gnomAD v4.1: 11,306 of 1,614,110 alleles (0.7%); highest among the groups gnomAD compares: Non-Finnish European, 0.87%; 73 homozygotes.

Submission:

CeGaT Center for Human Genetics Tuebingen
Classification: Likely benign. Last evaluated: 2022-08-01. Review status: criteria provided, single submitter. Criteria: CeGaT Center For Human Genetics Tuebingen Variant Classification Criteria Version 2. Collection method: clinical testing. Allele origin: germline. Affected: yes. Observed: 1 variant allele.
Comment: NVL: BP4, BP7